The following is an entry in ClinVar:

ClinVar aggregate classification (germline): Likely pathogenic (1 of 4 stars; one submission).

Submission:

Labcorp Genetics (formerly Invitae), Labcorp
Classification: Likely pathogenic. Last evaluated: 2021-03-16. Review status: criteria provided, single submitter. Criteria: Invitae Variant Classification Sherloc (09022015). Collection method: clinical testing. Allele origin: germline.
Comment: This sequence change replaces alanine with threonine at codon 240 of the FLNB protein (p.Ala240Thr). The alanine residue is highly conserved and there is a small physicochemical difference between alanine and threonine. In summary, the currently available evidence indicates that the variant is pathogenic, but additional data are needed to prove that conclusively. Therefore, this variant has been classified as Likely Pathogenic. Algorithms developed to predict the effect of missense changes on protein structure and function (SIFT, PolyPhen-2, Align-GVGD) all suggest that this variant is likely to be disruptive, but these predictions have not been confirmed by published functional studies and their clinical significance is uncertain. This variant has been observed in individual(s) with clinical features of atelosteogenesis (Invitae). In at least one individual the variant was observed to be de novo. This variant is not present in population databases (ExAC no frequency).

NM_001457.4(FLNB):c.718G>A (p.Ala240Thr)

Gene: FLNB (filamin B; plus strand). Cytogenetic location: 3p14.3.
Variant type: single nucleotide variant.
Coding change: c.718G>A on transcript NM_001457.4 (MANE Select); coding-DNA position 718, G replaced by A.
Protein change: p.Ala240Thr; replaces alanine 240 with threonine.
Molecular consequence: missense variant.
Genome position (GRCh38, 1-based): chr3:58,081,707, G>A. VCF-style: chr3-58081707-G-A. GRCh37 (hg19) VCF-style: chr3-58067434-G-A.
Other names: c.718G>A, p.Ala240Thr (NM_001164317.2, NM_001164318.2, NM_001164319.2); short protein forms A240T.
Identifiers: ClinVar variation 1483519 (VCV001483519.8), dbSNP rs2106966046, ClinGen allele CA353334158.
Genomic context (GRCh38, chr3:58,081,707, plus strand): 5'-ATCATTCACCCGGATGTGGACGAGCACTCAGTTATGACTTACCTGTCCCAGTTCCCCAAA[G>A]CCAAGCTCAAGCCGGGGGCTCCTCTCAAACCCAAACTCAACCCGAAGAAAGCCAGGGCCT-3'
Protein context (NP_001448.2, residues 230-250): VMTYLSQFPK[Ala240Thr]KLKPGAPLKP